The following is an entry in ClinVar:

ClinVar aggregate classification (germline): Uncertain significance. Review status: criteria provided, multiple submitters, no conflicts (2 of 4 stars). 2 submissions from 2 submitters: Uncertain significance (2). Last evaluated 2026-03-27.

Conditions:
Cardiovascular phenotype. Identifiers: MedGen CN230736.
Aneurysm-osteoarthritis syndrome. Also called: SMAD3-Related Loeys-Dietz Syndrome; LOEYS-DIETZ SYNDROME WITH OSTEOARTHRITIS; ANEURYSMS-OSTEOARTHRITIS SYNDROME; Loeys-Dietz syndrome, type 1C. Identifiers: Orphanet 284984, MedGen C3151087, MONDO:0013426, OMIM 613795.

gnomAD v4.1: 1 of 1,613,890 alleles (0.000062%); highest among the groups gnomAD compares: Non-Finnish European, 0.000085%; no homozygotes.

Submissions (2):

Molecular Diagnostic Laboratory for Inherited Cardiovascular Disease, Montreal Heart Institute
Classification: Uncertain significance for Cardiovascular phenotype. Last evaluated: 2026-03-27. Review status: criteria provided, single submitter. Criteria: ACMG Guidelines, 2015. Collection method: clinical testing. Allele origin: germline. Affected: yes.
Comment: PM2, PM5_supp, PP3

All of Us Research Program, National Institutes of Health
Classification: Uncertain significance for Aneurysm-osteoarthritis syndrome. Last evaluated: 2023-10-23. Review status: criteria provided, single submitter. Criteria: ACMG Guidelines, 2015. Collection method: clinical testing. Allele origin: germline. Inheritance: Autosomal dominant inheritance. Observed: 1 variant allele, 1 heterozygote.
Comment: This missense variant replaces arginine with leucine at codon 90 of the SMAD3 protein. Computational prediction suggests that this variant may have deleterious impact on protein structure and function (internally defined REVEL score threshold >= 0.7, PMID: 27666373). To our knowledge, functional studies have not been reported for this variant. This variant has not been reported in individuals affected with SMAD3-related disorders in the literature. This variant has not been identified in the general population by the Genome Aggregation Database (gnomAD). The available evidence is insufficient to determine the role of this variant in disease conclusively. Therefore, this variant is classified as a Variant of Uncertain Significance.

This study involves interpretation of variants in research participants for the purpose of population health screening. Participant phenotype was not available at the time of variant classification. Additional details can be found in publication PMID: 35346344, PMCID: PMC8962531

NM_005902.4(SMAD3):c.269G>T (p.Arg90Leu)

Gene: SMAD3 (SMAD family member 3; plus strand). Cytogenetic location: 15q22.33.
Variant type: single nucleotide variant.
Coding change: c.269G>T on transcript NM_005902.4 (MANE Select); coding-DNA position 269, G replaced by T.
Protein change: p.Arg90Leu; replaces arginine 90 with leucine.
Molecular consequence: missense variant. On other transcripts: 5 prime UTR variant (3).
Genome position (GRCh38, 1-based): chr15:67,164,957, G>T. VCF-style: chr15-67164957-G-T. GRCh37 (hg19) VCF-style: chr15-67457295-G-T.
Other names: c.-47G>T (NM_001145102.2, NM_001407015.1, NM_001407016.1); c.137G>T, p.Arg46Leu (NM_001145103.2); c.269G>T, p.Arg90Leu (NM_001407011.1, NM_001407012.1, NM_001407013.1); c.122G>T, p.Arg41Leu (NM_001407014.1); c.269G>T (NM_005902.3); short protein forms R41L, R46L, R90L.
Identifiers: ClinVar variation 3074083 (VCV003074083.2), dbSNP rs886038803, ClinGen allele CA392953882.
Genomic context (GRCh38, chr15:67,164,957, plus strand): 5'-CCCTGGATGGCCGGTTGCAGGTGTCCCATCGGAAGGGGCTCCCTCATGTCATCTACTGCC[G>T]CCTGTGGCGATGGCCAGACCTGCACAGCCACCACGAGCTACGGGCCATGGAGCTGTGTGA-3'
Protein context (NP_005893.1, residues 80-100): RKGLPHVIYC[Arg90Leu]LWRWPDLHSH